The following is an entry in ClinVar:

NM_058216.3(RAD51C):c.833T>C (p.Leu278Ser)

Gene: RAD51C (RAD51 paralog C; plus strand). Cytogenetic location: 17q22.
Variant type: single nucleotide variant.
Coding change: c.833T>C on transcript NM_058216.3 (MANE Select); coding-DNA position 833, T replaced by C.
Protein change: p.Leu278Ser; replaces leucine 278 with serine.
Molecular consequence: missense variant. On other transcripts: non-coding transcript variant (1).
Genome position (GRCh38, 1-based): chr17:58,709,986, T>C. VCF-style: chr17-58709986-T-C. GRCh37 (hg19) VCF-style: chr17-56787347-T-C.
Other names: short protein forms L278S.
Identifiers: ClinVar variation 482174 (VCV000482174.13), dbSNP rs1555599274, ClinGen allele CA400354499.

ClinVar aggregate classification (germline): Conflicting classifications of pathogenicity. Review status: criteria provided, conflicting classifications (1 of 4 stars). 2 submissions from 2 submitters: Uncertain significance (1); Benign (1). Last evaluated 2025-10-28.

Conditions:
Fanconi anemia complementation group O. Also called: RAD51C-Related Fanconi Anemia. Identifiers: Orphanet 84, MedGen C3150653, MONDO:0013248, OMIM 613390.
Hereditary cancer-predisposing syndrome. Also called: Hereditary neoplastic syndrome; Neoplastic Syndromes, Hereditary; Tumor predisposition; Hereditary Cancer Syndrome. Identifiers: Orphanet 140162, MedGen C0027672, MeSH D009386, MONDO:0015356.

Submissions (2):

Ambry Genetics
Classification: Benign for Hereditary cancer-predisposing syndrome. Last evaluated: 2025-10-28. Review status: criteria provided, single submitter. Criteria: Ambry Variant Classification Scheme 2023. Collection method: clinical testing. Allele origin: germline.

Labcorp Genetics (formerly Invitae), Labcorp
Classification: Uncertain significance for Fanconi anemia complementation group O. Last evaluated: 2025-04-17. Review status: criteria provided, single submitter. Criteria: Invitae Variant Classification Sherloc (09022015). Collection method: clinical testing. Allele origin: germline.
Comment: This sequence change replaces leucine, which is neutral and non-polar, with serine, which is neutral and polar, at codon 278 of the RAD51C protein (p.Leu278Ser). This variant is not present in population databases (gnomAD no frequency). This variant has not been reported in the literature in individuals affected with RAD51C-related conditions. ClinVar contains an entry for this variant (Variation ID: 482174). Invitae Evidence Modeling of protein sequence and biophysical properties (such as structural, functional, and spatial information, amino acid conservation, physicochemical variation, residue mobility, and thermodynamic stability) indicates that this missense variant is not expected to disrupt RAD51C protein function with a negative predictive value of 80%. In summary, the available evidence is currently insufficient to determine the role of this variant in disease. Therefore, it has been classified as a Variant of Uncertain Significance.